The following is an entry in ClinVar:

ClinVar aggregate classification (germline): Pathogenic (1 of 4 stars; one submission).

Conditions:
Lynch syndrome 5 (LYNCH5). Also called: Colorectal cancer, hereditary nonpolyposis, type 5; Hereditary non-polyposis colorectal cancer, type 5. Identifiers: Orphanet 144, MedGen C1833477, MONDO:0013710, OMIM 614350. Disease mechanism: loss of function.

Submission:

Myriad Genetics, Inc.
Classification: Pathogenic for Lynch syndrome 5. Last evaluated: 2023-08-18. Review status: criteria provided, single submitter. Criteria: Myriad Autosomal Dominant, Autosomal Recessive and X-Linked Classification Criteria (2023). Collection method: clinical testing. Allele origin: unknown.
Comment: This variant is considered pathogenic. This variant creates a frameshift predicted to result in premature protein truncation.

NM_000179.3(MSH6):c.2759_2768dup (p.Thr924fs)

Gene: MSH6 (mutS homolog 6; plus strand). Cytogenetic location: 2p16.3.
Variant type: Duplication.
Coding change: c.2759_2768dup on transcript NM_000179.3 (MANE Select); coding-DNA positions 2759 to 2768, 10 bases duplicated (AGGCTCGAAA; older notation c.2759_2768dupAGGCTCGAAA).
Protein change: p.Thr924fs; shifts the reading frame from threonine 924.
Molecular consequence: frameshift variant. On other transcripts: non-coding transcript variant (5), intron variant (2).
Genome position (GRCh38, 1-based): chr2:47,800,742-47,800,751, AGGCTCGAAA duplicated; duplicating any 10 consecutive bases within chr2:47,800,738-47,800,751 gives the same sequence; the c. name uses the placement nearest the transcript's 3' end. VCF-style (leftmost placement, unchanged base first): chr2-47800737-T-TGAAAAGGCTC. GRCh37 (hg19) VCF-style: chr2-48027876-T-TGAAAAGGCTC.
Other names: c.2369_2378dup, p.Thr794fs (NM_001281492.2); c.1853_1862dup, p.Thr622fs (NM_001281493.2, NM_001281494.2, NM_001406811.1 and 6 more transcripts); c.2855_2864dup, p.Thr956fs (NM_001406795.1, NM_001406802.1); c.2759_2768dup, p.Thr924fs (NM_001406796.1, NM_001406798.1, NM_001406800.1 and 2 more transcripts); c.2462_2471dup, p.Thr825fs (NM_001406797.1, NM_001406801.1, NM_001406805.1 and 10 more transcripts); c.2234_2243dup, p.Thr749fs (NM_001406799.1, NM_001406806.1, NM_001406807.1); c.2681_2690dup, p.Thr898fs (NM_001406804.1); c.2765_2774dup, p.Thr926fs (NM_001406813.1); and 4 more; short protein forms T239fs, T622fs, T749fs, T794fs, T825fs, T868fs, T898fs, T924fs.
Identifiers: ClinVar variation 2673690 (VCV002673690.1), dbSNP rs2530691443, ClinGen allele CA2695200573.